The following is an entry in ClinVar:

NM_000466.3(PEX1):c.2887C>T (p.Gln963Ter)

Genes: GATAD1 (GATA zinc finger domain containing 1; plus strand), PEX1 (peroxisomal biogenesis factor 1; minus strand). Cytogenetic location: 7q21.2.
Variant type: single nucleotide variant.
Coding change: c.2887C>T on transcript NM_000466.3 (MANE Select); coding-DNA position 2887, C replaced by T.
Protein change: p.Gln963Ter; replaces glutamine 963 with a stop codon.
Molecular consequence: nonsense.
Genome position (GRCh38, 1-based): chr7:92,494,526, G>A on the plus strand (C>T on the coding strand, the complement: PEX1 is on the minus strand). VCF-style: chr7-92494526-G-A. GRCh37 (hg19) VCF-style: chr7-92123840-G-A.
Other names: c.2716C>T, p.Gln906Ter (NM_001282677.2); c.2263C>T, p.Gln755Ter (NM_001282678.2); short protein forms Q755*, Q906*, Q963*.
Identifiers: ClinVar variation 1725917 (VCV001725917.3), dbSNP rs2484638196, ClinGen allele CA368168457.
Genomic context (GRCh38, chr7:92,494,526, plus strand): 5'-TTCTGTATTTATAATTATTACCCTGTAAGCCTTCTACTCCATCCAACTGAGTCAGCAACT[G>A]GTTAACTACTCGGTCTGTAACTCCTGTATTATCATGACCCCGCCGAGGAGCAATGGATTC-3'

ClinVar aggregate classification (germline): Likely pathogenic (1 of 4 stars; one submission).

Conditions:
Peroxisome biogenesis disorder. Identifiers: Orphanet 79189, MedGen C1832200, MONDO:0019234. Disease mechanism: loss of function.

Submission:

Myriad Genetics, Inc.
Classification: Likely pathogenic for Peroxisome biogenesis disorder. Last evaluated: 2022-04-13. Review status: criteria provided, single submitter. Criteria: Myriad Autosomal Dominant, Autosomal Recessive and X-Linked Classification Criteria (2023). Collection method: clinical testing. Allele origin: unknown.
Comment: NM_000466.2(PEX1):c.2887C>T(Q963*) is expected to be pathogenic in the context of peroxisome biogenesis disorder type 1. This variant is predicted to lead to an abnormal or absent protein product due to the creation of a premature termination codon in PEX1, a gene where loss-of-function variants are known to be pathogenic. Please note: this variant was assessed in the context of healthy population screening.